The following is an entry in ClinVar:

NM_001458.5(FLNC):c.1227T>C (p.Asp409=)

Gene: FLNC (filamin C; plus strand). Cytogenetic location: 7q32.1.
Variant type: single nucleotide variant.
Coding change: c.1227T>C on transcript NM_001458.5 (MANE Select); coding-DNA position 1227, T replaced by C.
Protein change: p.Asp409=; no amino-acid change (aspartic acid 409 retained).
Molecular consequence: synonymous variant.
Genome position (GRCh38, 1-based): chr7:128,838,619, T>C. VCF-style: chr7-128838619-T-C. GRCh37 (hg19) VCF-style: chr7-128478673-T-C.
Other names: c.1227T>C, p.Asp409= (NM_001127487.2).
Identifiers: ClinVar variation 471964 (VCV000471964.15), dbSNP rs375033262, ClinGen allele CA166215176.

ClinVar aggregate classification (germline): Likely benign. Review status: criteria provided, multiple submitters, no conflicts (2 of 4 stars). 3 submissions from 3 submitters: Likely benign (3). Last evaluated 2025-09-05.

Conditions:
Myofibrillar myopathy 5. Also called: FILAMINOPATHY, AUTOSOMAL DOMINANT; Filaminopathy (type). Identifiers: Orphanet 171445, MedGen C1836050, MONDO:0012289, OMIM 609524.
Hypertrophic cardiomyopathy 26. Also called: Cardiomyopathy, familial hypertrophic, 26. Identifiers: Orphanet 75249, MedGen C4310749, MONDO:0014883, OMIM 617047.
Distal myopathy with posterior leg and anterior hand involvement. Also called: WILLIAMS DISTAL MYOPATHY. Identifiers: Orphanet 63273, MedGen C3279722, MONDO:0013550, OMIM 614065.
FLNC-related disorder. Also called: FLNC-related disorders; FLNC-related condition.
Cardiovascular phenotype. Identifiers: MedGen CN230736.

Allele frequency attached by ClinVar (database versions not stated): gnomAD exomes 0.00001 and 0.00002; gnomAD 0.00002; TOPMed 0.00004; ESP Exome Variant Server 0.00008.
gnomAD v4.1: 31 of 1,612,792 alleles (0.0019%); highest among the groups gnomAD compares: Non-Finnish European, 0.0025%; no homozygotes.

Submissions (3):

Labcorp Genetics (formerly Invitae), Labcorp
Classification: Likely benign for Distal myopathy with posterior leg and anterior hand involvement; Myofibrillar myopathy 5; Hypertrophic cardiomyopathy 26. Last evaluated: 2025-09-05. Review status: criteria provided, single submitter. Criteria: Invitae Variant Classification Sherloc (09022015). Collection method: clinical testing. Allele origin: germline.

PreventionGenetics, part of Exact Sciences
Classification: Likely benign for FLNC-related condition. Last evaluated: 2025-07-29. Review status: criteria provided, single submitter. Criteria: ACMG Guidelines, 2015. Collection method: clinical testing. Allele origin: germline.
Comment: This variant is classified as likely benign based on ACMG/AMP sequence variant interpretation guidelines (Richards et al. 2015 PMID: 25741868, with internal and published modifications).

Ambry Genetics
Classification: Likely benign for Cardiovascular phenotype. Last evaluated: 2022-08-20. Review status: criteria provided, single submitter. Criteria: Ambry Variant Classification Scheme 2023. Collection method: clinical testing. Allele origin: germline.